The following is an entry in ClinVar:

ClinVar aggregate classification (germline): Uncertain significance (1 of 4 stars; one submission).

Allele frequency attached by ClinVar (database versions not stated): gnomAD 0.00001; gnomAD exomes 0.00001; TOPMed 0.00002.
gnomAD v4.1: 12 of 1,514,882 alleles (0.00079%); highest among the groups gnomAD compares: Non-Finnish European, 0.0011%; no homozygotes.

Submission:

Labcorp Genetics (formerly Invitae), Labcorp
Classification: Uncertain significance. Last evaluated: 2022-06-19. Review status: criteria provided, single submitter. Criteria: Invitae Variant Classification Sherloc (09022015). Collection method: clinical testing. Allele origin: germline.
Comment: In summary, the available evidence is currently insufficient to determine the role of this variant in disease. Therefore, it has been classified as a Variant of Uncertain Significance. Algorithms developed to predict the effect of sequence changes on RNA splicing suggest that this variant may create or strengthen a splice site. This variant has not been reported in the literature in individuals affected with PNPT1-related conditions. This variant is present in population databases (no rsID available, gnomAD 0.007%). This sequence change falls in intron 10 of the PNPT1 gene. It does not directly change the encoded amino acid sequence of the PNPT1 protein.

NM_033109.5(PNPT1):c.919-12A>G

Gene: PNPT1 (polyribonucleotide nucleotidyltransferase 1; minus strand). Cytogenetic location: 2p16.1.
Variant type: single nucleotide variant.
Coding change: c.919-12A>G on transcript NM_033109.5 (MANE Select); 12 bases into the intron before coding-DNA position 919, A replaced by G.
Molecular consequence: intron variant.
Genome position (GRCh38, 1-based): chr2:55,671,388, T>C on the plus strand (A>G on the coding strand, the complement: PNPT1 is on the minus strand). VCF-style: chr2-55671388-T-C. GRCh37 (hg19) VCF-style: chr2-55898523-T-C.
Identifiers: ClinVar variation 1511901 (VCV001511901.6), dbSNP rs1045281427, ClinGen allele CA47663068.